The following is an entry in ClinVar:

ClinVar aggregate classification (germline): Uncertain significance (1 of 4 stars; one submission).

Allele frequency attached by ClinVar (database versions not stated): TOPMed below 0.00001; ExAC 0.00001; gnomAD 0.00001.

Submission:

Labcorp Genetics (formerly Invitae), Labcorp
Classification: Uncertain significance. Last evaluated: 2024-05-07. Review status: criteria provided, single submitter. Criteria: Invitae Variant Classification Sherloc (09022015). Collection method: clinical testing. Allele origin: germline.
Comment: This sequence change replaces glycine, which is neutral and non-polar, with alanine, which is neutral and non-polar, at codon 525 of the DUOX2 protein (p.Gly525Ala). This variant also falls at the last nucleotide of exon 13, which is part of the consensus splice site for this exon. This variant is present in population databases (rs768248096, gnomAD 0.0009%). This variant has not been reported in the literature in individuals affected with DUOX2-related conditions. ClinVar contains an entry for this variant (Variation ID: 2039054). An algorithm developed to predict the effect of missense changes on protein structure and function (PolyPhen-2) suggests that this variant is likely to be disruptive. Variants that disrupt the consensus splice site are a relatively common cause of aberrant splicing (PMID: 17576681, 9536098). In summary, the available evidence is currently insufficient to determine the role of this variant in disease. Therefore, it has been classified as a Variant of Uncertain Significance.

Literature cited by the submitters: PubMed 17576681; PubMed 9536098.

NM_001363711.2(DUOX2):c.1574G>C (p.Gly525Ala)

Gene: DUOX2 (dual oxidase 2; minus strand). Cytogenetic location: 15q21.1.
Variant type: single nucleotide variant.
Coding change: c.1574G>C on transcript NM_001363711.2 (MANE Select); coding-DNA position 1574, G replaced by C.
Protein change: p.Gly525Ala; replaces glycine 525 with alanine.
Molecular consequence: missense variant.
Genome position (GRCh38, 1-based): chr15:45,108,047, C>G on the plus strand (G>C on the coding strand, the complement: DUOX2 is on the minus strand). VCF-style: chr15-45108047-C-G. GRCh37 (hg19) VCF-style: chr15-45400245-C-G.
Other names: c.1574G>C, p.Gly525Ala (NM_014080.5); short protein forms G525A.
Identifiers: ClinVar variation 2039054 (VCV002039054.4), dbSNP rs768248096, ClinGen allele CA7538574.